The following is an entry in ClinVar:

ClinVar aggregate classification (germline): Uncertain significance. Review status: criteria provided, multiple submitters, no conflicts (2 of 4 stars). 2 submissions from 2 submitters: Uncertain significance (2). Last evaluated 2022-12-14.

Conditions:
Hajdu-Cheney syndrome (HJCYS). Also called: Acroosteolysis dominant type; ACROOSTEOLYSIS WITH OSTEOPOROSIS AND CHANGES IN SKULL AND MANDIBLE; SERPENTINE FIBULA-POLYCYSTIC KIDNEY SYNDROME. Identifiers: Orphanet 955, MedGen C0917715, MONDO:0007057, OMIM 102500.

Allele frequency attached by ClinVar (database versions not stated): gnomAD exomes below 0.00001; ExAC 0.00001; gnomAD 0.00001; TOPMed 0.00001.
gnomAD v4.1: 4 of 1,614,010 alleles (0.00025%); highest among the groups gnomAD compares: Non-Finnish European, 0.00034%; no homozygotes.

Submissions (2):

GeneDx
Classification: Uncertain significance. Last evaluated: 2022-12-14. Review status: criteria provided, single submitter. Criteria: GeneDx Variant Classification Process June 2021. Collection method: clinical testing. Allele origin: germline. Affected: yes.
Comment: Not observed at significant frequency in large population cohorts (gnomAD); In silico analysis supports that this missense variant does not alter protein structure/function; Has not been previously published as pathogenic or benign to our knowledge

Labcorp Genetics (formerly Invitae), Labcorp
Classification: Uncertain significance for Hajdu-Cheney syndrome. Last evaluated: 2022-09-27. Review status: criteria provided, single submitter. Criteria: Invitae Variant Classification Sherloc (09022015). Collection method: clinical testing. Allele origin: germline.
Comment: In summary, the available evidence is currently insufficient to determine the role of this variant in disease. Therefore, it has been classified as a Variant of Uncertain Significance. Advanced modeling of protein sequence and biophysical properties (such as structural, functional, and spatial information, amino acid conservation, physicochemical variation, residue mobility, and thermodynamic stability) performed at Invitae indicates that this missense variant is not expected to disrupt NOTCH2 protein function. This variant has not been reported in the literature in individuals affected with NOTCH2-related conditions. This variant is present in population databases (rs753593465, gnomAD 0.0009%). This sequence change replaces glutamine, which is neutral and polar, with histidine, which is basic and polar, at codon 2196 of the NOTCH2 protein (p.Gln2196His).

NM_024408.4(NOTCH2):c.6588G>C (p.Gln2196His)

Gene: NOTCH2 (notch receptor 2; minus strand). Cytogenetic location: 1p12.
Variant type: single nucleotide variant.
Coding change: c.6588G>C on transcript NM_024408.4 (MANE Select); coding-DNA position 6588, G replaced by C.
Protein change: p.Gln2196His; replaces glutamine 2196 with histidine.
Molecular consequence: missense variant.
Genome position (GRCh38, 1-based): chr1:119,916,134, C>G on the plus strand (G>C on the coding strand, the complement: NOTCH2 is on the minus strand). VCF-style: chr1-119916134-C-G. GRCh37 (hg19) VCF-style: chr1-120458757-C-G.
Other names: c.6588G>C (NM_024408.3); short protein forms Q2196H.
Identifiers: ClinVar variation 2099735 (VCV002099735.5), dbSNP rs753593465, ClinGen allele CA1039400.
Genomic context (GRCh38, chr1:119,916,134, plus strand): 5'-AGTGCTGGCCCCATGTGCCAAAGGCTGCATTTCATGAAGGTTAGAAAAAGATAGTGCATG[C>G]TGGGCATGGACTGGGGCAGGAGGGGCGGCAGTGGCCAACATAGGGTTGGGTGAGGCCTGT-3'
Protein context (NP_077719.2, residues 2186-2206): TAAPPAPVHA[Gln2196His]HALSFSNLHE